The following is an entry in ClinVar:

GRCh37/hg19 19p13.3(chr19:260912-1163934)x3

Genes: PRTN3 (proteinase 3; plus strand), WDR18 (WD repeat domain 18; plus strand), PTBP1 (polypyrimidine tract binding protein 1; plus strand), ABCA7 (ATP binding cassette subfamily A member 7; plus strand), ARHGAP45 (Rho GTPase activating protein 45; plus strand) and 33 more. Cytogenetic location: 19p13.3.
Variant type: copy number gain.
Change: copy number 3 (three copies instead of two) of chr19:260,912-1,163,934 (903.0 kb, GRCh37 coordinates, 1-based), cytogenetic band 19p13.3.
Identifiers: ClinVar variation 252977 (VCV000252977.3).

ClinVar aggregate classification (germline): Pathogenic (1 of 4 stars; one submission).

Submission:

Clinical Genomics Laboratory, Laboratory for Precision Diagnostics, University of Washington
Classification: Pathogenic. Last evaluated: 2016-06-06. Review status: criteria provided, single submitter. Criteria: Clinical Cytogenomics Laboratory Policy on CNV Interpretation. Collection method: clinical testing. Allele origin: paternal. Affected: yes. Observed: 1 variant allele.